The following is an entry in ClinVar:

ClinVar aggregate classification (germline): Likely pathogenic (0 of 4 stars; one submission).

Conditions:
KIF5A-related disorder. Also called: KIF5A-related disorders; KIF5A-related condition.

Submission:

PreventionGenetics, part of Exact Sciences
Classification: Likely pathogenic for KIF5A-related condition. Last evaluated: 2024-03-08. Review status: no assertion criteria provided. Collection method: clinical testing. Allele origin: germline.
Comment: The KIF5A c.2993delG variant is predicted to result in a frameshift and premature protein termination (p.Gly998Glufs*50). To our knowledge, this variant has not been reported in the literature or in gnomAD, indicating this variant is rare. Frameshift variants in KIF5A are expected to be pathogenic. This variant is interpreted as likely pathogenic.

NM_004984.2:c.2993delG

Gene: KIF5A (kinesin family member 5A; plus strand).
Variant type: Deletion.
Identifiers: ClinVar variation 3354172 (VCV003354172.1).